The following is an entry in ClinVar:

NM_004446.3(EPRS1):c.3910-3T>C

Gene: EPRS1 (glutamyl-prolyl-tRNA synthetase 1; minus strand). Cytogenetic location: 1q41.
Variant type: single nucleotide variant.
Coding change: c.3910-3T>C on transcript NM_004446.3 (MANE Select); 3 bases into the intron before coding-DNA position 3910, T replaced by C.
Molecular consequence: intron variant.
Genome position (GRCh38, 1-based): chr1:219,978,722, A>G on the plus strand (T>C on the coding strand, the complement: EPRS1 is on the minus strand). VCF-style: chr1-219978722-A-G. GRCh37 (hg19) VCF-style: chr1-220152064-A-G.
Identifiers: ClinVar variation 2111965 (VCV002111965.4), dbSNP rs2527959822, ClinGen allele CA2580062182.

ClinVar aggregate classification (germline): Uncertain significance (1 of 4 stars; one submission).

Allele frequency attached by ClinVar (database versions not stated): gnomAD exomes below 0.00001.
gnomAD v4.1: 2 of 1,607,492 alleles (0.00012%); highest among the groups gnomAD compares: South Asian, 0.0011%; no homozygotes.

Submission:

Labcorp Genetics (formerly Invitae), Labcorp
Classification: Uncertain significance. Last evaluated: 2024-12-02. Review status: criteria provided, single submitter. Criteria: Invitae Variant Classification Sherloc (09022015). Collection method: clinical testing. Allele origin: germline.
Comment: This sequence change falls in intron 27 of the EPRS gene. It does not directly change the encoded amino acid sequence of the EPRS protein. It affects a nucleotide within the consensus splice site. This variant is not present in population databases (gnomAD no frequency). This variant has not been reported in the literature in individuals affected with EPRS-related conditions. ClinVar contains an entry for this variant (Variation ID: 2111965). Variants that disrupt the consensus splice site are a relatively common cause of aberrant splicing (PMID: 17576681, 9536098). Algorithms developed to predict the effect of sequence changes on RNA splicing suggest that this variant is not likely to affect RNA splicing. In summary, the available evidence is currently insufficient to determine the role of this variant in disease. Therefore, it has been classified as a Variant of Uncertain Significance.

Literature cited by the submitters: PubMed 17576681; PubMed 9536098.